The following is an entry in ClinVar:

NM_005629.4(SLC6A8):c.1894_1907del (p.Glu632fs)

Gene: SLC6A8 (solute carrier family 6 member 8; plus strand). Cytogenetic location: Xq28.
Variant type: Deletion.
Coding change: c.1894_1907del on transcript NM_005629.4 (MANE Select); coding-DNA positions 1894 to 1907, 14 bases deleted (GAGAGTGTCATGTG).
Protein change: p.Glu632fs; shifts the reading frame from glutamic acid 632.
Molecular consequence: frameshift variant.
Genome position (GRCh38, 1-based): chrX:153,695,200-153,695,213, GAGAGTGTCATGTG deleted; deleting any 14 consecutive bases within chrX:153,695,197-153,695,213 gives the same sequence; the c. name uses the placement nearest the transcript's 3' end. VCF-style (leftmost placement, unchanged base first): chrX-153695196-GGTGGAGAGTGTCAT-G. GRCh37 (hg19) VCF-style: chrX-152960651-GGTGGAGAGTGTCAT-G.
Other names: c.1864_1877del, p.Glu622fs (NM_001142805.2); c.1549_1562del, p.Glu517fs (NM_001142806.1); short protein forms E517fs, E622fs, E632fs.
Identifiers: ClinVar variation 3373733 (VCV003373733.1).

ClinVar aggregate classification (germline): Uncertain significance (1 of 4 stars; one submission).

Submission:

GeneDx
Classification: Uncertain significance. Last evaluated: 2024-03-12. Review status: criteria provided, single submitter. Criteria: GeneDx Variant Classification Process June 2021. Collection method: clinical testing. Allele origin: germline. Affected: yes.
Comment: Not observed at significant frequency in large population cohorts (gnomAD); Frameshift variant predicted to result in abnormal protein length as the last 4 amino acids are replaced with11 different amino acids; Has not been previously published as pathogenic or benign to our knowledge